The following is an entry in ClinVar:

ClinVar aggregate classification (germline): Uncertain significance (1 of 4 stars; one submission).

Submission:

GeneDx
Classification: Uncertain significance. Last evaluated: 2023-10-18. Review status: criteria provided, single submitter. Criteria: GeneDx Variant Classification Process June 2021. Collection method: clinical testing. Allele origin: germline. Affected: yes.
Comment: Not observed at significant frequency in large population cohorts (gnomAD); In silico analysis supports a deleterious effect on protein structure/function; Has not been previously published as pathogenic or benign to our knowledge; This variant is associated with the following publications: (PMID: 12668474, 33767344)

NM_000540.3(RYR1):c.6533_6534delinsAT (p.Met2178Asn)

Gene: RYR1 (ryanodine receptor 1; plus strand). Cytogenetic location: 19q13.2.
Variant type: Indel.
Coding change: c.6533_6534delinsAT on transcript NM_000540.3 (MANE Select); coding-DNA positions 6533 to 6534, TG replaced by AT.
Protein change: p.Met2178Asn; replaces methionine 2178 with asparagine.
Molecular consequence: missense variant.
Genome position (GRCh38, 1-based): chr19:38,494,610-38,494,611, TG replaced by AT. VCF-style: chr19-38494610-TG-AT. GRCh37 (hg19) VCF-style: chr19-38985250-TG-AT.
Other names: c.6533_6534delTGinsAT, p.Met2178Asn (NM_000540.2); c.6533_6534delinsAT, p.Met2178Asn (NM_001042723.2); short protein forms M2178N.
Identifiers: ClinVar variation 3366096 (VCV003366096.1).